The following is an entry in ClinVar:

ClinVar aggregate classification (germline): Uncertain significance (1 of 4 stars; one submission).

Conditions:
Ataxia-telangiectasia syndrome (AT). Also called: Ataxia-telangiectasia, complementation group D; ATAXIA-TELANGIECTASIA, COMPLEMENTATION GROUP A; ATAXIA-TELANGIECTASIA, FRESNO VARIANT; Ataxia-telangiectasia, complementation group E; Cerebello-oculocutaneous telangiectasia; Immunodeficiency with ataxia telangiectasia. Identifiers: Orphanet 100, MedGen C0004135, MONDO:0008840, OMIM 208900.

Submission:

Labcorp Genetics (formerly Invitae), Labcorp
Classification: Uncertain significance for Ataxia-telangiectasia syndrome. Last evaluated: 2025-04-07. Review status: criteria provided, single submitter. Criteria: Invitae Variant Classification Sherloc (09022015). Collection method: clinical testing. Allele origin: germline.
Comment: This sequence change replaces leucine, which is neutral and non-polar, with arginine, which is basic and polar, at codon 1322 of the ATM protein (p.Leu1322Arg). This variant is not present in population databases (gnomAD no frequency). This variant has not been reported in the literature in individuals affected with ATM-related conditions. ClinVar contains an entry for this variant (Variation ID: 1350632). Invitae Evidence Modeling of protein sequence and biophysical properties (such as structural, functional, and spatial information, amino acid conservation, physicochemical variation, residue mobility, and thermodynamic stability) has been performed for this missense variant. However, the output from this modeling did not meet the statistical confidence thresholds required to predict the impact of this variant on ATM protein function. In summary, the available evidence is currently insufficient to determine the role of this variant in disease. Therefore, it has been classified as a Variant of Uncertain Significance.

NM_000051.4(ATM):c.3965T>G (p.Leu1322Arg)

Gene: ATM (ATM serine/threonine kinase; plus strand). Cytogenetic location: 11q22.3.
Variant type: single nucleotide variant.
Coding change: c.3965T>G on transcript NM_000051.4 (MANE Select); coding-DNA position 3965, T replaced by G.
Protein change: p.Leu1322Arg; replaces leucine 1322 with arginine.
Molecular consequence: missense variant.
Genome position (GRCh38, 1-based): chr11:108,284,445, T>G. VCF-style: chr11-108284445-T-G. GRCh37 (hg19) VCF-style: chr11-108155172-T-G.
Other names: c.3965T>G, p.Leu1322Arg (NM_001351834.2); short protein forms L1322R.
Identifiers: ClinVar variation 1350632 (VCV001350632.8), dbSNP rs786203306, ClinGen allele CA382526108.